The following is an entry in ClinVar:

NM_001876.4(CPT1A):c.530del (p.Pro177fs)

Gene: CPT1A (carnitine palmitoyltransferase 1A; minus strand). Cytogenetic location: 11q13.3.
Variant type: Deletion.
Coding change: c.530del on transcript NM_001876.4 (MANE Select); coding-DNA position 530, one base deleted (C; older notation c.530delC).
Protein change: p.Pro177fs; shifts the reading frame from proline 177.
Molecular consequence: frameshift variant.
Genome position (GRCh38, 1-based): chr11:68,804,025, G deleted on the plus strand (C on the coding strand, the reverse complement: CPT1A is on the minus strand); the first of 3 consecutive G bases (chr11:68,804,025-68,804,027); deleting any one gives the same sequence. VCF-style (leftmost placement, unchanged base first): chr11-68804024-CG-C. GRCh37 (hg19) VCF-style: chr11-68571492-CG-C.
Other names: c.530del, p.Pro177fs (NM_001031847.3); short protein forms P177fs.
Identifiers: ClinVar variation 1456264 (VCV001456264.6), dbSNP rs2154000550, ClinGen allele CA2573147548.
Genomic context (GRCh38, chr11:68,804,024, plus strand): 5'-GCTGGCATTTCAGTGTGAGGCCTAAGCCACACCTACCCTGTTCACAGTGTCTTTGACAGC[CG>C]GGACCGGCAGGCGAGGCAGCGATGTCTGGAAGCTGTACAACATGGGTTTTCGGCCTGAAA-3'

ClinVar aggregate classification (germline): Pathogenic (1 of 4 stars; one submission).

Conditions:
Carnitine palmitoyl transferase 1A deficiency. Also called: Carnitine palmitoyltransferase type I deficiency; CPT deficiency, hepatic, type IA; CPT I DEFICIENCY; CPT DEFICIENCY, HEPATIC, TYPE I; Carnitine palmitoyltransferase 1A deficiency. Identifiers: Orphanet 156, MedGen C1829703, MONDO:0009705, OMIM 255120.

Submission:

Labcorp Genetics (formerly Invitae), Labcorp
Classification: Pathogenic for Carnitine palmitoyl transferase 1A deficiency. Last evaluated: 2021-05-29. Review status: criteria provided, single submitter. Criteria: Invitae Variant Classification Sherloc (09022015). Collection method: clinical testing. Allele origin: germline.
Comment: For these reasons, this variant has been classified as Pathogenic. This variant has not been reported in the literature in individuals with CPT1A-related conditions. This variant is not present in population databases (ExAC no frequency). This sequence change creates a premature translational stop signal (p.Pro177Argfs*7) in the CPT1A gene. It is expected to result in an absent or disrupted protein product. Loss-of-function variants in CPT1A are known to be pathogenic (PMID: 16169268).

Literature cited by the submitters: PubMed 16169268.